The following is an entry in ClinVar:

ClinVar aggregate classification (germline): Uncertain significance (1 of 4 stars; one submission).

Conditions:
Parenti-mignot neurodevelopmental syndrome. Identifiers: MedGen C5676984, MONDO:0859249, OMIM 619873.

gnomAD v4.1: 5 of 1,591,938 alleles (0.00031%); highest among the groups gnomAD compares: Admixed American, 0.0051%; no homozygotes.

Submission:

Laboratorio de Genetica e Diagnostico Molecular, Hospital Israelita Albert Einstein
Classification: Uncertain significance for Parenti-mignot neurodevelopmental syndrome. Last evaluated: 2024-05-13. Review status: criteria provided, single submitter. Criteria: ACMG Guidelines, 2015. Collection method: clinical testing. Allele origin: germline. Affected: yes.
Comment: ACMG classification criteria: PM2 supporting, PP2 supporting, BP4 supporting

NM_015557.3(CHD5):c.968G>T (p.Ser323Ile)

Gene: CHD5 (chromodomain helicase DNA binding protein 5; minus strand). Cytogenetic location: 1p36.31.
Variant type: single nucleotide variant.
Coding change: c.968G>T on transcript NM_015557.3 (MANE Select); coding-DNA position 968, G replaced by T.
Protein change: p.Ser323Ile; replaces serine 323 with isoleucine.
Molecular consequence: missense variant.
Genome position (GRCh38, 1-based): chr1:6,151,058, C>A on the plus strand (G>T on the coding strand, the complement: CHD5 is on the minus strand). VCF-style: chr1-6151058-C-A. GRCh37 (hg19) VCF-style: chr1-6211118-C-A.
Other names: short protein forms S323I.
Identifiers: ClinVar variation 3902081 (VCV003902081.1).